The following is an entry in ClinVar:

ClinVar aggregate classification (germline): Uncertain significance (1 of 4 stars; one submission).

gnomAD v4.1: 4 of 1,613,760 alleles (0.00025%); highest among the groups gnomAD compares: Non-Finnish European, 0.00034%; no homozygotes.

Submission:

Mayo Clinic Laboratories, Mayo Clinic
Classification: Uncertain significance. Last evaluated: 2025-09-11. Review status: criteria provided, single submitter. Criteria: ACMG Guidelines, 2015. Collection method: clinical testing. Allele origin: germline. Observed: 1 variant allele.
Comment: BP4

NM_001267550.2(TTN):c.28281G>T (p.Lys9427Asn)

Gene: TTN (titin; minus strand). Cytogenetic location: 2q31.2.
Variant type: single nucleotide variant.
Coding change: c.28281G>T on transcript NM_001267550.2 (MANE Select); coding-DNA position 28281, G replaced by T.
Protein change: p.Lys9427Asn; replaces lysine 9427 with asparagine.
Molecular consequence: missense variant. On other transcripts: intron variant (3).
Genome position (GRCh38, 1-based): chr2:178,710,816, C>A on the plus strand (G>T on the coding strand, the complement: TTN is on the minus strand). VCF-style: chr2-178710816-C-A. GRCh37 (hg19) VCF-style: chr2-179575543-C-A.
Other names: p.Lys9110Asn; c.27330G>T, p.Lys9110Asn (NM_001256850.1); c.24549G>T, p.Lys8183Asn (NM_133378.4); c.13282+27266G>T (NM_003319.4); c.13858+27266G>T (NM_133437.4); c.13657+27266G>T (NM_133432.3); short protein forms K8183N, K9110N, K9427N.
Identifiers: ClinVar variation 4540749 (VCV004540749.1).